The following is an entry in ClinVar:

NM_000188.3(HK1):c.271C>T (p.Arg91Ter)

Gene: HK1 (hexokinase 1; plus strand). Cytogenetic location: 10q22.1.
Variant type: single nucleotide variant.
Coding change: c.271C>T on transcript NM_000188.3 (MANE Select); coding-DNA position 271, C replaced by T.
Protein change: p.Arg91Ter; replaces arginine 91 with a stop codon.
Molecular consequence: nonsense.
Genome position (GRCh38, 1-based): chr10:69,359,941, C>T. VCF-style: chr10-69359941-C-T. GRCh37 (hg19) VCF-style: chr10-71119697-C-T.
Other names: c.283C>T, p.Arg95Ter (NM_001322364.2, NM_001358263.1, NM_033497.3 and 1 more transcripts); c.376C>T, p.Arg126Ter (NM_001322365.2); c.187C>T, p.Arg63Ter (NM_001322366.1); c.271C>T, p.Arg91Ter (NM_001322367.1); c.268C>T, p.Arg90Ter (NM_033496.3); c.235C>T, p.Arg79Ter (NM_033500.2); c.271C>T (NM_000188.2); short protein forms R126*, R63*, R79*, R90*, R91*, R95*.
Identifiers: ClinVar variation 1709823 (VCV001709823.4), dbSNP rs2540327631, ClinGen allele CA376910557.

ClinVar aggregate classification (germline): Conflicting classifications of pathogenicity. Review status: criteria provided, conflicting classifications (1 of 4 stars). 2 submissions from 2 submitters: Likely pathogenic (1); Uncertain significance (1). Last evaluated 2024-04-17.

Conditions:
Charcot-Marie-Tooth disease type 4G. Also called: CHARCOT-MARIE-TOOTH DISEASE, DEMYELINATING, TYPE 4G; CHARCOT-MARIE-TOOTH NEUROPATHY, TYPE 4G; Neuropathy, hereditary motor and sensory, Russe type. Identifiers: Orphanet 99953, MedGen C1854449, MONDO:0011534, OMIM 605285.

Allele frequency attached by ClinVar (database versions not stated): gnomAD exomes below 0.00001.
gnomAD v4.1: 1 of 1,614,068 alleles (0.000062%); highest among the groups gnomAD compares: Non-Finnish European, 0.000085%; no homozygotes.

Submissions (2):

GeneDx
Classification: Uncertain significance. Last evaluated: 2024-04-17. Review status: criteria provided, single submitter. Criteria: GeneDx Variant Classification Process June 2021. Collection method: clinical testing. Allele origin: germline.
Comment: Not observed at significant frequency in large population cohorts (gnomAD); Nonsense variant predicted to result in protein truncation or nonsense mediated decay in a gene or region of a gene for which loss of function is not a well-established mechanism of disease; Has not been previously published as pathogenic or benign to our knowledge

MGZ Medical Genetics Center
Classification: Likely pathogenic for Charcot-Marie-Tooth disease type 4G. Last evaluated: 2022-05-23. Review status: criteria provided, single submitter. Criteria: ACMG Guidelines, 2015. Collection method: clinical testing. Allele origin: germline. Affected: yes. Observed: 1 variant allele.
Comment: ACMG criteria applied: PVS1, PM2_SUP